The following is an entry in ClinVar:

NM_022041.4(GAN):c.*247G>A

Gene: GAN (gigaxonin; plus strand). Cytogenetic location: 16q23.2.
Variant type: single nucleotide variant.
Coding change: c.*247G>A on transcript NM_022041.4 (MANE Select); 247 bases downstream of the stop codon, G replaced by A.
Molecular consequence: 3 prime UTR variant.
Genome position (GRCh38, 1-based): chr16:81,377,843, G>A. VCF-style: chr16-81377843-G-A. GRCh37 (hg19) VCF-style: chr16-81411448-G-A.
Other names: c.*247G>A (NM_001377486.1).
Identifiers: ClinVar variation 320668 (VCV000320668.8), dbSNP rs2216769, ClinGen allele CA10649023.

ClinVar aggregate classification (germline): Benign. Review status: criteria provided, multiple submitters, no conflicts (2 of 4 stars). 3 submissions from 3 submitters: Benign (3). Last evaluated 2018-06-19.

Conditions:
Giant axonal neuropathy 1 (GAN1). Also called: GAN-Related Neurodegeneration; GIANT AXONAL NEUROPATHY 1, AUTOSOMAL RECESSIVE. Identifiers: Orphanet 643, MedGen C1850386, MONDO:0009749, OMIM 256850.

Allele frequency attached by ClinVar (database versions not stated): gnomAD 0.57491 and 0.57918; TOPMed 0.59327; gnomAD exomes 0.59690; 1000 Genomes Project 30x 0.62711; 1000 Genomes Project 0.62760.
gnomAD v4.1: 327,975 of 553,958 alleles (59%); highest among the groups gnomAD compares: East Asian, 72%; 97,927 homozygotes.

Submissions (3):

GeneDx
Classification: Benign. Last evaluated: 2018-06-19. Review status: criteria provided, single submitter. Criteria: GeneDx Variant Classification Process June 2021. Collection method: clinical testing. Allele origin: germline. Affected: yes.

Illumina Laboratory Services, Illumina
Classification: Benign for Giant axonal neuropathy 1. Last evaluated: 2018-01-13. Review status: criteria provided, single submitter. Criteria: ICSL Variant Classification Criteria 13 December 2019. Collection method: clinical testing. Allele origin: germline.
Comment: This variant was observed in the ICSL laboratory as part of a predisposition screen in an ostensibly healthy population. It had not been previously curated by ICSL or reported in the Human Gene Mutation Database (HGMD: prior to June 1st, 2018), and was therefore a candidate for classification through an automated scoring system. Utilizing variant allele frequency, disease prevalence and penetrance estimates, and inheritance mode, an automated score was calculated to assess if this variant is too frequent to cause the disease. Based on the score and internal cut-off values, a variant classified as benign is not then subjected to further curation. The score for this variant resulted in a classification of benign for this disease.

Breakthrough Genomics
Classification: Benign. Review status: criteria provided, single submitter. Criteria: ACMG Guidelines, 2015. Collection method: not provided. Allele origin: germline. Inheritance: Autosomal recessive inheritance. Affected: yes.